The following is an entry in ClinVar:

ClinVar aggregate classification (germline): Uncertain significance (1 of 4 stars; one submission).

Allele frequency attached by ClinVar (database versions not stated): gnomAD exomes below 0.00001 and 0.00002; ExAC 0.00003; gnomAD 0.00005 and 0.00006; TOPMed 0.00006; ESP Exome Variant Server 0.00015.
gnomAD v4.1: 12 of 1,606,354 alleles (0.00075%); highest among the groups gnomAD compares: African/African-American, 0.015%; no homozygotes.

Submission:

Labcorp Genetics (formerly Invitae), Labcorp
Classification: Uncertain significance. Last evaluated: 2022-06-13. Review status: criteria provided, single submitter. Criteria: Invitae Variant Classification Sherloc (09022015). Collection method: clinical testing. Allele origin: germline.
Comment: In summary, the available evidence is currently insufficient to determine the role of this variant in disease. Therefore, it has been classified as a Variant of Uncertain Significance. Algorithms developed to predict the effect of missense changes on protein structure and function output the following: SIFT: "Deleterious"; PolyPhen-2: "Benign"; Align-GVGD: "Class C0". The alanine amino acid residue is found in multiple mammalian species, which suggests that this missense change does not adversely affect protein function. This variant has not been reported in the literature in individuals affected with PLK4-related conditions. This variant is present in population databases (rs140317132, gnomAD 0.03%). This sequence change replaces threonine, which is neutral and polar, with alanine, which is neutral and non-polar, at codon 751 of the PLK4 protein (p.Thr751Ala).

NM_014264.5(PLK4):c.2251A>G (p.Thr751Ala)

Gene: PLK4 (polo like kinase 4; plus strand). Cytogenetic location: 4q28.1.
Variant type: single nucleotide variant.
Coding change: c.2251A>G on transcript NM_014264.5 (MANE Select); coding-DNA position 2251, A replaced by G.
Protein change: p.Thr751Ala; replaces threonine 751 with alanine.
Molecular consequence: missense variant.
Genome position (GRCh38, 1-based): chr4:127,893,347, A>G. VCF-style: chr4-127893347-A-G. GRCh37 (hg19) VCF-style: chr4-128814502-A-G.
Other names: c.2155A>G, p.Thr719Ala (NM_001190799.2); c.2128A>G, p.Thr710Ala (NM_001190801.2); short protein forms T710A, T719A, T751A.
Identifiers: ClinVar variation 1514211 (VCV001514211.6), dbSNP rs140317132, ClinGen allele CA3077000.
Genomic context (GRCh38, chr4:127,893,347, plus strand): 5'-GTAAAAATACACAAAACAGAAGATTTCATTCAGGTGATTGAAAAGACAGGGAAGTCTTAC[A>G]CTTTAAAAAGTGAAAGTGAAGTTAATAGCTTGAAAGAGGAGATAAAAATGTATATGGACC-3'
Protein context (NP_055079.3, residues 741-761): QVIEKTGKSY[Thr751Ala]LKSESEVNSL